The following is an entry in ClinVar:

ClinVar aggregate classification (germline): Uncertain significance (1 of 4 stars; one submission).

Allele frequency attached by ClinVar (database versions not stated): ESP Exome Variant Server 0.00015.
gnomAD v4.1: 292 of 1,613,998 alleles (0.018%); highest among the groups gnomAD compares: Non-Finnish European, 0.023%; no homozygotes.

Submission:

Labcorp Genetics (formerly Invitae), Labcorp
Classification: Uncertain significance. Last evaluated: 2023-08-24. Review status: criteria provided, single submitter. Criteria: Invitae Variant Classification Sherloc (09022015). Collection method: clinical testing. Allele origin: germline.
Comment: In summary, the available evidence is currently insufficient to determine the role of this variant in disease. Therefore, it has been classified as a Variant of Uncertain Significance. Advanced modeling of protein sequence and biophysical properties (such as structural, functional, and spatial information, amino acid conservation, physicochemical variation, residue mobility, and thermodynamic stability) performed at Invitae indicates that this missense variant is not expected to disrupt FAT2 protein function. ClinVar contains an entry for this variant (Variation ID: 2149528). This variant has not been reported in the literature in individuals affected with FAT2-related conditions. This variant is present in population databases (rs137947267, gnomAD 0.02%). This sequence change replaces arginine, which is basic and polar, with leucine, which is neutral and non-polar, at codon 973 of the FAT2 protein (p.Arg973Leu).

NM_001447.3(FAT2):c.2918G>T (p.Arg973Leu)

Gene: FAT2 (FAT atypical cadherin 2; minus strand). Cytogenetic location: 5q33.1.
Variant type: single nucleotide variant.
Coding change: c.2918G>T on transcript NM_001447.3 (MANE Select); coding-DNA position 2918, G replaced by T.
Protein change: p.Arg973Leu; replaces arginine 973 with leucine.
Molecular consequence: missense variant.
Genome position (GRCh38, 1-based): chr5:151,566,014, C>A on the plus strand (G>T on the coding strand, the complement: FAT2 is on the minus strand). VCF-style: chr5-151566014-C-A. GRCh37 (hg19) VCF-style: chr5-150945575-C-A.
Other names: short protein forms R973L.
Identifiers: ClinVar variation 2149528 (VCV002149528.4), dbSNP rs137947267, ClinGen allele CA3521964.